The following is an entry in ClinVar:

NM_000059.4(BRCA2):c.6487dup (p.Gln2163fs)

Gene: BRCA2 (BRCA2 DNA repair associated; plus strand). Cytogenetic location: 13q13.1.
Variant type: Duplication.
Coding change: c.6487dup on transcript NM_000059.4 (MANE Select); coding-DNA position 6487, one base duplicated (C; older notation c.6487dupC).
Protein change: p.Gln2163fs; shifts the reading frame from glutamine 2163.
Molecular consequence: frameshift variant.
Genome position (GRCh38, 1-based): chr13:32,340,842, C duplicated. VCF-style (leftmost placement, unchanged base first): chr13-32340841-A-AC. GRCh37 (hg19) VCF-style: chr13-32914978-A-AC.
Other names: c.6487dupC (NM_000059.3); short protein forms Q2163fs.
Identifiers: ClinVar variation 1330051 (VCV001330051.9), dbSNP rs2137528047, ClinGen allele CA2573053817.

ClinVar aggregate classification (germline): Pathogenic. Review status: criteria provided, multiple submitters, no conflicts (2 of 4 stars). 4 submissions from 4 submitters: Pathogenic (4). Last evaluated 2024-05-30.

Conditions:
Breast-ovarian cancer, familial, susceptibility to, 2 (BROVCA2). Also called: BRCA2 Hereditary Breast and Ovarian Cancer. Identifiers: Orphanet 145, MedGen C2675520, MONDO:0012933, OMIM 612555. Disease mechanism: loss of function.
Hereditary breast ovarian cancer syndrome. Also called: Breast and ovarian cancer; Hereditary breast and ovarian cancer; BRCA1- and BRCA2-Associated Hereditary Breast and Ovarian Cancer; Hereditary breast and ovarian cancer syndrome (HBOC); Hereditary breast and/or ovarian cancer syndrome; Hereditary breast and ovarian cancer syndrome. Identifiers: Orphanet 145, MedGen C0677776, MeSH D061325, MONDO:0003582. Disease mechanism: loss of function.
Hereditary cancer-predisposing syndrome. Also called: Hereditary Cancer Syndrome; Hereditary neoplastic syndrome; Neoplastic Syndromes, Hereditary; Tumor predisposition. Identifiers: Orphanet 140162, MedGen C0027672, MeSH D009386, MONDO:0015356.

Submissions (4):

Molecular Pathology, Peter Maccallum Cancer Centre
Classification: Pathogenic for Breast-ovarian cancer, familial, susceptibility to, 2. Last evaluated: 2024-05-30. Review status: criteria provided, single submitter. Criteria: ACMG Guidelines, 2015. Collection method: clinical testing. Allele origin: germline. Inheritance: Autosomal dominant inheritance.

Ambry Genetics
Classification: Pathogenic for Hereditary cancer-predisposing syndrome. Last evaluated: 2024-04-17. Review status: criteria provided, single submitter. Criteria: Ambry Variant Classification Scheme 2023. Collection method: clinical testing. Allele origin: germline.
Comment: The c.6487dupC pathogenic mutation, located in coding exon 10 of the BRCA2 gene, results from a duplication of C at nucleotide position 6487, causing a translational frameshift with a predicted alternate stop codon (p.Q2163Pfs*13). This alteration is expected to result in loss of function by premature protein truncation or nonsense-mediated mRNA decay. As such, this alteration is interpreted as a disease-causing mutation.

Quest Diagnostics Nichols Institute San Juan Capistrano
Classification: Pathogenic. Last evaluated: 2020-12-26. Review status: criteria provided, single submitter. Criteria: Quest Diagnostics criteria. Collection method: clinical testing. Allele origin: unknown.
Comment: This frameshift variant alters the translational reading frame of the BRCA2 mRNA and causes the premature termination of BRCA2 protein synthesis. The variant has not been reported in the published literature. This variant has not been reported in large, multi-ethnic general populations. Based on the available information, the variant is classified as pathogenic.

Labcorp Genetics (formerly Invitae), Labcorp
Classification: Pathogenic for Hereditary breast ovarian cancer syndrome. Last evaluated: 2020-12-22. Review status: criteria provided, single submitter. Criteria: Invitae Variant Classification Sherloc (09022015). Collection method: clinical testing. Allele origin: germline.
Comment: For these reasons, this variant has been classified as Pathogenic. This variant has not been reported in the literature in individuals with BRCA2-related conditions. This variant is not present in population databases (ExAC no frequency). This sequence change creates a premature translational stop signal (p.Gln2163Profs*13) in the BRCA2 gene. It is expected to result in an absent or disrupted protein product. Loss-of-function variants in BRCA2 are known to be pathogenic (PMID: 20104584).

Literature cited by the submitters: PubMed 20104584 (cited by Labcorp Genetics (formerly Invitae), Labcorp).